The following is an entry in ClinVar:

NM_001303052.2(MYT1L):c.713A>G (p.Asp238Gly)

Gene: MYT1L (myelin transcription factor 1 like; minus strand). Cytogenetic location: 2p25.3.
Variant type: single nucleotide variant.
Coding change: c.713A>G on transcript NM_001303052.2 (MANE Select); coding-DNA position 713, A replaced by G.
Protein change: p.Asp238Gly; replaces aspartic acid 238 with glycine.
Molecular consequence: missense variant.
Genome position (GRCh38, 1-based): chr2:1,923,056, T>C on the plus strand (A>G on the coding strand, the complement: MYT1L is on the minus strand). VCF-style: chr2-1923056-T-C. GRCh37 (hg19) VCF-style: chr2-1926828-T-C.
Other names: c.713A>G, p.Asp238Gly (NM_001329844.2, NM_001329845.1, NM_001329846.3 and 6 more transcripts); short protein forms D238G.
Identifiers: ClinVar variation 1705088 (VCV001705088.1), dbSNP rs764933563, ClinGen allele CA1514355.

ClinVar aggregate classification (germline): Uncertain significance (1 of 4 stars; one submission).

Allele frequency attached by ClinVar (database versions not stated): gnomAD exomes below 0.00001; ExAC 0.00001.
gnomAD v4.1: 1 of 1,614,048 alleles (0.000062%); highest among the groups gnomAD compares: Non-Finnish European, 0.000085%; no homozygotes.

Submission:

Women's Health and Genetics/Laboratory Corporation of America, LabCorp
Classification: Uncertain significance. Last evaluated: 2022-08-12. Review status: criteria provided, single submitter. Criteria: LabCorp Variant Classification Summary - May 2015. Collection method: clinical testing. Allele origin: germline.
Comment: Variant summary: MYT1L c.713A>G (p.Asp238Gly) results in a non-conservative amino acid change in the encoded protein sequence. Three of five in-silico tools predict a damaging effect of the variant on protein function. The variant allele was found at a frequency of 4e-06 in 249306 control chromosomes (gnomAD). The available data on variant occurrences in the general population are insufficient to allow any conclusion about variant significance. To our knowledge, no occurrence of c.713A>G in individuals affected with Mental Retardation, Autosomal Dominant 39 and no experimental evidence demonstrating its impact on protein function have been reported. No clinical diagnostic laboratories have submitted clinical-significance assessments for this variant to ClinVar after 2014. Based on the evidence outlined above, the variant was classified as uncertain significance.